The following is an entry in ClinVar:

NM_001170700.3(DTHD1):c.2520C>T (p.Asn840=)

Gene: DTHD1 (death domain containing 1; plus strand). Cytogenetic location: 4p14.
Variant type: single nucleotide variant.
Coding change: c.2520C>T on transcript NM_001170700.3 (MANE Select); coding-DNA position 2520, C replaced by T.
Protein change: p.Asn840=; no amino-acid change (asparagine 840 retained).
Molecular consequence: synonymous variant. On other transcripts: missense variant (1), non-coding transcript variant (2).
Genome position (GRCh38, 1-based): chr4:36,343,623, C>T. VCF-style: chr4-36343623-C-T. GRCh37 (hg19) VCF-style: chr4-36345245-C-T.
Other names: c.1650C>T, p.Asn550= (NM_001136536.5); c.1529C>T, p.Thr510Ile (NM_001378435.1); short protein forms T510I.
Identifiers: ClinVar variation 4990946 (VCV004990946.1).

ClinVar aggregate classification (germline): Likely benign (1 of 4 stars; one submission).

Conditions:
DTHD1-related disorder. Also called: DTHD1-related condition.

Submission:

PreventionGenetics, part of Exact Sciences
Classification: Likely benign for DTHD1-related condition. Last evaluated: 2026-03-13. Review status: criteria provided, single submitter. Criteria: ACMG Guidelines, 2015. Collection method: clinical testing. Allele origin: germline.
Comment: This variant is classified as likely benign based on ACMG/AMP sequence variant interpretation guidelines (Richards et al. 2015 PMID: 25741868, with internal and published modifications).